The following is an entry in ClinVar:

ClinVar aggregate classification (germline): Uncertain significance (1 of 4 stars; one submission).

Conditions:
Wiskott-Aldrich syndrome 2 (WAS2). Also called: WIPF1 DEFICIENCY. Identifiers: Orphanet 906, MedGen C3281001, MONDO:0013779, OMIM 614493.

Allele frequency attached by ClinVar (database versions not stated): gnomAD exomes below 0.00001.
gnomAD v4.1: 2 of 1,614,214 alleles (0.00012%); highest among the groups gnomAD compares: Admixed American, 0.0017%; no homozygotes.

Submission:

Labcorp Genetics (formerly Invitae), Labcorp
Classification: Uncertain significance for Wiskott-Aldrich syndrome 2. Last evaluated: 2023-11-28. Review status: criteria provided, single submitter. Criteria: Invitae Variant Classification Sherloc (09022015). Collection method: clinical testing. Allele origin: germline.
Comment: This sequence change replaces phenylalanine, which is neutral and non-polar, with tyrosine, which is neutral and polar, at codon 454 of the WIPF1 protein (p.Phe454Tyr). This variant is not present in population databases (gnomAD no frequency). This variant has not been reported in the literature in individuals affected with WIPF1-related conditions. ClinVar contains an entry for this variant (Variation ID: 1713557). An algorithm developed to predict the effect of missense changes on protein structure and function (PolyPhen-2) suggests that this variant is likely to be disruptive. In summary, the available evidence is currently insufficient to determine the role of this variant in disease. Therefore, it has been classified as a Variant of Uncertain Significance.

NM_001375834.1(WIPF1):c.1361T>A (p.Phe454Tyr)

Gene: WIPF1 (WAS/WASL interacting protein family member 1; minus strand). Cytogenetic location: 2q31.1.
Variant type: single nucleotide variant.
Coding change: c.1361T>A on transcript NM_001375834.1 (MANE Select); coding-DNA position 1361, T replaced by A.
Protein change: p.Phe454Tyr; replaces phenylalanine 454 with tyrosine.
Molecular consequence: missense variant.
Genome position (GRCh38, 1-based): chr2:174,567,165, A>T on the plus strand (T>A on the coding strand, the complement: WIPF1 is on the minus strand). VCF-style: chr2-174567165-A-T. GRCh37 (hg19) VCF-style: chr2-175431893-A-T.
Other names: c.1361T>A, p.Phe454Tyr (NM_001077269.1, NM_001375832.1, NM_001375833.1 and 2 more transcripts); c.983T>A, p.Phe328Tyr (NM_001375839.1); short protein forms F328Y, F454Y.
Identifiers: ClinVar variation 1713557 (VCV001713557.6), dbSNP rs2468453818, ClinGen allele CA349336083.